The following is an entry in ClinVar:

NM_017950.4(CCDC40):c.2823C>G (p.His941Gln)

Gene: CCDC40 (coiled-coil domain 40 molecular ruler complex subunit; plus strand). Cytogenetic location: 17q25.3.
Variant type: single nucleotide variant.
Coding change: c.2823C>G on transcript NM_017950.4 (MANE Select); coding-DNA position 2823, C replaced by G.
Protein change: p.His941Gln; replaces histidine 941 with glutamine.
Molecular consequence: missense variant.
Genome position (GRCh38, 1-based): chr17:80,089,875, C>G. VCF-style: chr17-80089875-C-G. GRCh37 (hg19) VCF-style: chr17-78063674-C-G.
Other names: c.2823C>G, p.His941Gln (NM_001243342.2); short protein forms H941Q.
Identifiers: ClinVar variation 241239 (VCV000241239.6), dbSNP rs751091185, ClinGen allele CA8814357.

ClinVar aggregate classification (germline): Uncertain significance (1 of 4 stars; one submission).

Conditions:
Primary ciliary dyskinesia. Also called: Ciliary dyskinesia. Identifiers: Orphanet 244, MedGen C0008780, MONDO:0016575, HP:0012265.

Allele frequency attached by ClinVar (database versions not stated): gnomAD exomes below 0.00001 and 0.00001; TOPMed below 0.00001; ExAC 0.00002.

Submission:

Labcorp Genetics (formerly Invitae), Labcorp
Classification: Uncertain significance for Primary ciliary dyskinesia. Last evaluated: 2021-08-27. Review status: criteria provided, single submitter. Criteria: Invitae Variant Classification Sherloc (09022015). Collection method: clinical testing. Allele origin: germline.
Comment: This sequence change replaces histidine with glutamine at codon 941 of the CCDC40 protein (p.His941Gln). The histidine residue is highly conserved and there is a small physicochemical difference between histidine and glutamine. This variant is present in population databases (rs751091185, ExAC 0.003%). This variant has not been reported in the literature in individuals affected with CCDC40-related conditions. Algorithms developed to predict the effect of missense changes on protein structure and function output the following: SIFT: "Deleterious"; PolyPhen-2: "Possibly Damaging"; Align-GVGD: "Class C0". The glutamine amino acid residue is found in multiple mammalian species, which suggests that this missense change does not adversely affect protein function. In summary, the available evidence is currently insufficient to determine the role of this variant in disease. Therefore, it has been classified as a Variant of Uncertain Significance.